The following is an entry in ClinVar:

ClinVar aggregate classification (germline): Uncertain significance. Review status: criteria provided, multiple submitters, no conflicts (2 of 4 stars). 3 submissions from 3 submitters: Uncertain significance (3). Last evaluated 2025-10-07.

Conditions:
Pulmonary fibrosis and/or bone marrow failure, Telomere-related, 4. Also called: PULMONARY FIBROSIS AND/OR BONE MARROW FAILURE SYNDROME, TELOMERE-RELATED, 4. Identifiers: Orphanet 2032, MedGen C4225347, MONDO:0014612, OMIM 616371.
Dyskeratosis congenita, autosomal recessive 6 (DKCB6). Identifiers: MedGen C4225356, MONDO:0014600, OMIM 616353.
Inborn genetic diseases. Identifiers: MedGen C0950123, MeSH D030342.

Allele frequency attached by ClinVar (database versions not stated): gnomAD exomes below 0.00001; ExAC 0.00001; TOPMed 0.00001.
gnomAD v4.1: 17 of 1,609,338 alleles (0.0011%); highest among the groups gnomAD compares: Middle Eastern, 0.016%; no homozygotes.

Submissions (3):

Ambry Genetics
Classification: Uncertain significance for Inborn genetic diseases. Last evaluated: 2025-10-07. Review status: criteria provided, single submitter. Criteria: Ambry Variant Classification Scheme 2023. Collection method: clinical testing. Allele origin: germline.

Labcorp Genetics (formerly Invitae), Labcorp
Classification: Uncertain significance for Dyskeratosis congenita, autosomal recessive 6; Pulmonary fibrosis and/or bone marrow failure, Telomere-related, 4. Last evaluated: 2025-07-21. Review status: criteria provided, single submitter. Criteria: Invitae Variant Classification Sherloc (09022015). Collection method: clinical testing. Allele origin: germline.
Comment: This sequence change replaces proline, which is neutral and non-polar, with threonine, which is neutral and polar, at codon 357 of the PARN protein (p.Pro357Thr). This variant is present in population databases (rs767096267, gnomAD 0.0009%). This variant has not been reported in the literature in individuals affected with PARN-related conditions. ClinVar contains an entry for this variant (Variation ID: 1005776). Invitae Evidence Modeling of protein sequence and biophysical properties (such as structural, functional, and spatial information, amino acid conservation, physicochemical variation, residue mobility, and thermodynamic stability) indicates that this missense variant is not expected to disrupt PARN protein function with a negative predictive value of 80%. In summary, the available evidence is currently insufficient to determine the role of this variant in disease. Therefore, it has been classified as a Variant of Uncertain Significance.

Genetics and Molecular Pathology, SA Pathology
Classification: Uncertain significance for Pulmonary fibrosis and/or bone marrow failure, Telomere-related, 4. Last evaluated: 2022-01-20. Review status: criteria provided, single submitter. Criteria: ACMG Guidelines, 2015. Collection method: clinical testing. Allele origin: germline. Inheritance: Autosomal dominant inheritance. Affected: yes.

NM_002582.4(PARN):c.1069C>A (p.Pro357Thr)

Gene: PARN (poly(A)-specific ribonuclease; minus strand). Cytogenetic location: 16p13.12.
Variant type: single nucleotide variant.
Coding change: c.1069C>A on transcript NM_002582.4 (MANE Select); coding-DNA position 1069, C replaced by A.
Protein change: p.Pro357Thr; replaces proline 357 with threonine.
Molecular consequence: missense variant.
Genome position (GRCh38, 1-based): chr16:14,584,359, G>T on the plus strand (C>A on the coding strand, the complement: PARN is on the minus strand). VCF-style: chr16-14584359-G-T. GRCh37 (hg19) VCF-style: chr16-14678216-G-T.
Other names: c.886C>A, p.Pro296Thr (NM_001134477.3); c.931C>A, p.Pro311Thr (NM_001242992.2); c.1069C>A (NM_002582.3); short protein forms P296T, P311T, P357T.
Identifiers: ClinVar variation 1005776 (VCV001005776.12), dbSNP rs767096267, ClinGen allele CA7912177.